The following is an entry in ClinVar:

ClinVar aggregate classification (germline): Benign/Likely benign. Review status: criteria provided, multiple submitters, no conflicts (2 of 4 stars). 7 submissions from 7 submitters: Benign (4); Likely benign (1). 2 of the submissions do not count toward it. Last evaluated 2026-01-27.

Conditions:
Severe early-onset pulmonary alveolar proteinosis due to MARS deficiency. Also called: PULMONARY ALVEOLAR PROTEINOSIS, REUNION ISLAND; Interstitial lung and liver disease. Identifiers: Orphanet 440427, MedGen C4225400, MONDO:0014206, OMIM 615486.
Charcot-Marie-Tooth disease axonal type 2U. Also called: CHARCOT-MARIE-TOOTH NEUROPATHY, TYPE 2U; CHARCOT-MARIE-TOOTH DISEASE, AXONAL, AUTOSOMAL DOMINANT, TYPE 2U. Identifiers: Orphanet 397735, MedGen C4084821, MONDO:0014566, OMIM 616280.
Charcot-Marie-Tooth disease. Also called: Charcot-Marie-Tooth Neuropathy; Charcot-Marie-Tooth Hereditary Neuropathy. Identifiers: Orphanet 166, MedGen C0007959, MONDO:0015626.

Allele frequency attached by ClinVar (database versions not stated): 1000 Genomes Project 30x 0.00016; 1000 Genomes Project 0.00020; ExAC 0.00212; TOPMed 0.00222; gnomAD 0.00226 and 0.00239; gnomAD exomes 0.00235 and 0.00383; ESP Exome Variant Server 0.00246.
gnomAD v4.1: 5,896 of 1,614,082 alleles (0.37%); highest among the groups gnomAD compares: Non-Finnish European, 0.46%; 22 homozygotes.

Submissions (7):

Labcorp Genetics (formerly Invitae), Labcorp
Classification: Benign for Charcot-Marie-Tooth disease axonal type 2U; Severe early-onset pulmonary alveolar proteinosis due to MARS deficiency. Last evaluated: 2026-01-27. Review status: criteria provided, single submitter. Criteria: Invitae Variant Classification Sherloc (09022015). Collection method: clinical testing. Allele origin: germline.

Women's Health and Genetics/Laboratory Corporation of America, LabCorp
Classification: Benign. Last evaluated: 2025-03-03. Review status: criteria provided, single submitter. Criteria: LabCorp Variant Classification Summary - May 2015. Collection method: clinical testing. Allele origin: germline.
Comment: Variant summary: MARS1 c.2204+11G>A alters a non-conserved nucleotide located at a position not widely known to affect splicing. Consensus agreement among computation tools predict no significant impact on normal splicing. However, these predictions have yet to be confirmed by functional studies. The variant allele was found at a frequency of 0.0037 in 1614082 control chromosomes in the gnomAD database, including 22 homozygotes. The observed variant frequency is approximately 3-fold of the estimated maximal expected allele frequency for a pathogenic variant in MARS1 causing Severe early-onset pulmonary alveolar proteinosis due to MARS deficiency phenotype (0.0011). To our knowledge, no occurrence of c.2204+11G>A in individuals affected with Severe early-onset pulmonary alveolar proteinosis due to MARS deficiency and no experimental evidence demonstrating its impact on protein function have been reported. ClinVar contains an entry for this variant (Variation ID: 382084). Based on the evidence outlined above, the variant was classified as benign.

ARUP Laboratories, Molecular Genetics and Genomics, ARUP Laboratories
Classification: Benign. Last evaluated: 2024-11-19. Review status: criteria provided, single submitter. Criteria: ARUP Molecular Germline Variant Investigation Process 2024. Collection method: clinical testing. Allele origin: germline.

GeneDx
Classification: Likely benign. Last evaluated: 2017-12-26. Review status: criteria provided, single submitter. Criteria: GeneDx Variant Classification (06012015). Collection method: clinical testing. Allele origin: germline. Affected: yes.
Comment: This variant is considered likely benign or benign based on one or more of the following criteria: it is a conservative change, it occurs at a poorly conserved position in the protein, it is predicted to be benign by multiple in silico algorithms, and/or has population frequency not consistent with disease.

Molecular Genetics Laboratory, London Health Sciences Centre
Classification: Benign for Charcot-Marie-Tooth disease. Review status: criteria provided, single submitter. Criteria: ACMG Guidelines, 2015. Collection method: clinical testing. Allele origin: germline. Affected: yes.

Clinical Genetics, Academic Medical Center
Classification: Benign. Review status: no assertion criteria provided. Collection method: clinical testing. Allele origin: germline. Affected: yes. Study: VKGL Data-share Consensus. Not counted in ClinVar's aggregate classification.

Genome Diagnostics Laboratory, University Medical Center Utrecht
Classification: Likely benign. Review status: no assertion criteria provided. Collection method: clinical testing. Allele origin: germline. Affected: yes. Study: VKGL Data-share Consensus. Not counted in ClinVar's aggregate classification.

NM_004990.4(MARS1):c.2204+11G>A

Gene: MARS1 (methionyl-tRNA synthetase 1; plus strand). Cytogenetic location: 12q13.3.
Variant type: single nucleotide variant.
Coding change: c.2204+11G>A on transcript NM_004990.4 (MANE Select); 11 bases into the intron after coding-DNA position 2204, G replaced by A.
Molecular consequence: intron variant.
Genome position (GRCh38, 1-based): chr12:57,515,069, G>A. VCF-style: chr12-57515069-G-A. GRCh37 (hg19) VCF-style: chr12-57908852-G-A.
Identifiers: ClinVar variation 382084 (VCV000382084.15), dbSNP rs202080192, ClinGen allele CA6650733.